The following is an entry in ClinVar:

NM_007294.4(BRCA1):c.3296del (p.Pro1099fs)

Genes: BRCA1 (BRCA1 DNA repair associated; minus strand), LOC126862571 (BRD4-independent group 4 enhancer GRCh37_chr17:41243136-41244335; plus strand). Cytogenetic location: 17q21.31.
Variant type: Deletion.
Coding change: c.3296del on transcript NM_007294.4 (MANE Select); coding-DNA position 3296, one base deleted (C; older notation c.3296delC).
Protein change: p.Pro1099fs; shifts the reading frame from proline 1099.
Molecular consequence: frameshift variant. On other transcripts: intron variant (137).
Genome position (GRCh38, 1-based): chr17:43,092,235, G deleted on the plus strand (C on the coding strand, the reverse complement: BRCA1 is on the minus strand); the first of 2 consecutive G bases (chr17:43,092,235-43,092,236); deleting either gives the same sequence. VCF-style (leftmost placement, unchanged base first): chr17-43092234-AG-A. GRCh37 (hg19) VCF-style: chr17-41244251-AG-A.
Other names: 3415delC; c.3296delC (NM_007294.3); c.3083del, p.Pro1028fs (NM_001407571.1, NM_001407853.1, NM_001407894.1 and 9 more transcripts); c.3296del, p.Pro1099fs (NM_001407581.1, NM_001407582.1, NM_001407583.1 and 30 more transcripts); c.3293del, p.Pro1098fs (NM_001407587.1, NM_001407590.1, NM_001407591.1 and 22 more transcripts); c.3287del, p.Pro1096fs (NM_001407646.1, NM_001407647.1); c.3173del, p.Pro1058fs (NM_001407648.1, NM_001407664.1, NM_001407665.1 and 19 more transcripts); c.3170del, p.Pro1057fs (NM_001407649.1, NM_001407670.1, NM_001407671.1 and 11 more transcripts); and 43 more; short protein forms P1099fs, P1052fs, P1031fs, P1072fs, P1096fs, P1098fs, P931fs, P972fs.
Identifiers: ClinVar variation 54824 (VCV000054824.27), dbSNP rs80357815, ClinGen allele CA002128.

ClinVar aggregate classification (germline): Pathogenic. Review status: reviewed by expert panel (3 of 4 stars). 12 submissions from 12 submitters: Pathogenic (1). 11 of the submissions do not count toward it. Last evaluated 2016-09-08.

Conditions:
Hereditary cancer-predisposing syndrome. Also called: Neoplastic Syndromes, Hereditary; Tumor predisposition; Hereditary Cancer Syndrome; Hereditary neoplastic syndrome. Identifiers: Orphanet 140162, MedGen C0027672, MeSH D009386, MONDO:0015356.
Hereditary breast ovarian cancer syndrome. Also called: Hereditary breast and/or ovarian cancer syndrome; Hereditary breast and ovarian cancer syndrome; Hereditary breast and ovarian cancer; Hereditary breast and ovarian cancer syndrome (HBOC); Breast and ovarian cancer; BRCA1- and BRCA2-Associated Hereditary Breast and Ovarian Cancer. Identifiers: Orphanet 145, MedGen C0677776, MeSH D061325, MONDO:0003582. Disease mechanism: loss of function.
Breast-ovarian cancer, familial, susceptibility to, 1 (BROVCA1). Also called: OVARIAN CANCER, SUSCEPTIBILITY TO; BRCA1 Hereditary Breast and Ovarian Cancer. Identifiers: Orphanet 145, MedGen C2676676, MONDO:0011450, OMIM 604370. Disease mechanism: loss of function.

Submissions (12):

Evidence-based Network for the Interpretation of Germline Mutant Alleles (ENIGMA)
Classification: Pathogenic for Breast-ovarian cancer, familial, susceptibility to, 1. Last evaluated: 2016-09-08. Review status: reviewed by expert panel. Criteria: ENIGMA BRCA1/2 Classification Criteria (2015). Collection method: curation. Allele origin: germline.
Comment: Variant allele predicted to encode a truncated non-functional protein.

GeneDx
Classification: Pathogenic. Last evaluated: 2025-01-27. Review status: criteria provided, single submitter. Criteria: GeneDx Variant Classification Process June 2021. Collection method: clinical testing. Allele origin: germline. Affected: yes. Not counted in ClinVar's aggregate classification.
Comment: Frameshift variant predicted to result in protein truncation or nonsense mediated decay in a gene for which loss of function is a known mechanism of disease; Truncating variants in this gene are considered pathogenic by a well-established clinical consortium and/or database; Not observed at significant frequency in large population cohorts (gnomAD); Also known as 3415delC; This variant is associated with the following publications: (PMID: 16455195, 10408690, 26852015, 31174498, 34887416, 28888541, 19656164, 22798144, 19499246, 25863477, 26269718, 26187060, 10498392, 28205045, 28825143, 29673794, 29020732, 30702160, 30720863, 30078507, 28111427, 30350268, 31825140, 33151324, 34645131, 20104584, 35912641, 30441849, 33850850, 33471991, 30207098, 33461583)

Baylor Genetics
Classification: Pathogenic for Breast-ovarian cancer, familial, susceptibility to, 1. Last evaluated: 2023-10-17. Review status: criteria provided, single submitter. Criteria: ACMG Guidelines, 2015. Collection method: clinical testing. Allele origin: unknown. Not counted in ClinVar's aggregate classification.

Labcorp Genetics (formerly Invitae), Labcorp
Classification: Pathogenic for Hereditary breast ovarian cancer syndrome. Last evaluated: 2023-04-26. Review status: criteria provided, single submitter. Criteria: Invitae Variant Classification Sherloc (09022015). Collection method: clinical testing. Allele origin: germline. Not counted in ClinVar's aggregate classification.
Comment: For these reasons, this variant has been classified as Pathogenic. ClinVar contains an entry for this variant (Variation ID: 54824). This variant is also known as 3415delC. This variant has not been reported in the literature in individuals affected with BRCA1-related conditions. This variant is not present in population databases (gnomAD no frequency). This sequence change creates a premature translational stop signal (p.Pro1099Leufs*10) in the BRCA1 gene. It is expected to result in an absent or disrupted protein product. Loss-of-function variants in BRCA1 are known to be pathogenic (PMID: 20104584).

Color Diagnostics, LLC DBA Color Health
Classification: Pathogenic for Hereditary cancer-predisposing syndrome. Last evaluated: 2023-02-07. Review status: criteria provided, single submitter. Criteria: ACMG Guidelines, 2015. Collection method: clinical testing. Allele origin: germline. Not counted in ClinVar's aggregate classification.
Comment: This variant deletes 1 nucleotide in exon 10 of the BRCA1 gene, creating a frameshift and premature translation stop signal. This variant is expected to result in an absent or non-functional protein product. To our knowledge, functional studies have not been reported for this variant. This variant has been detected in at least 7 individuals affected with breast and ovarian cancer (PMID: 10498392, 19499246, 22798144, 29020732, 29673794, 30207098, 33850850) and reported in a breast cancer case-control meta-analysis in 2/60466 cases and 1/53461 unaffected individuals (PMID: 33471991; Leiden Open Variation Database DB-ID BRCA1_000654). This variant has not been identified in the general population by the Genome Aggregation Database (gnomAD). Loss of BRCA1 function is a known mechanism of disease. Based on the available evidence, this variant is classified as Pathogenic.

Clinical Genetics Laboratory, Skane University Hospital Lund
Classification: Pathogenic. Last evaluated: 2022-05-27. Review status: criteria provided, single submitter. Criteria: ACMG Guidelines, 2015. Collection method: clinical testing. Allele origin: germline. Affected: yes. Not counted in ClinVar's aggregate classification.

Ambry Genetics
Classification: Pathogenic for Hereditary cancer-predisposing syndrome. Last evaluated: 2022-01-19. Review status: criteria provided, single submitter. Criteria: Ambry Variant Classification Scheme 2023. Collection method: clinical testing. Allele origin: germline. Not counted in ClinVar's aggregate classification.
Comment: The c.3296delC pathogenic mutation, located in coding exon 9 of the BRCA1 gene, results from a deletion of one nucleotide at nucleotide position 3296, causing a translational frameshift with a predicted alternate stop codon (p.P1099Lfs*10). This alteration has been reported in individuals with familial breast and/or ovarian cancer in multiple populations (Kim H et al. Breast Cancer Res Treat, 2012 Aug;134:1315-26; Koczkowska M et al. Cancers (Basel), 2018 Nov;10; Lim MC et al. J Cancer Res Clin Oncol, 2009 Nov;135:1593-9; Seong MW et al. Clin Genet, 2009 Aug;76:152-60; Southey MC et al. Br. J. Cancer, 1999 Jan;79:34-9; Eoh KJ et al. Cancer Res Treat, 2018 Jul;50:917-925; Kang E et al. Breast Cancer Res Treat, 2015 May;151:157-68; Cao WM et al. BMC Cancer, 2016 Feb;16:64; Li A et al. Gynecol Oncol, 2018 10;151:145-152). Of note, this alteration is also designated as 3415delC in published literature. In addition to the information presented in the literature, this alteration is expected to result in loss of function by premature protein truncation or nonsense-mediated mRNA decay. As such, this alteration is interpreted as a disease-causing mutation.

Institute for Clinical Genetics, University Hospital TU Dresden, University Hospital TU Dresden
Classification: Pathogenic. Last evaluated: 2021-11-03. Review status: criteria provided, single submitter. Criteria: ACMG Guidelines, 2015. Collection method: clinical testing. Allele origin: germline. Not counted in ClinVar's aggregate classification.

Consortium of Investigators of Modifiers of BRCA1/2 (CIMBA), c/o University of Cambridge
Classification: Pathogenic for Breast-ovarian cancer, familial, susceptibility to, 1. Last evaluated: 2015-10-02. Review status: criteria provided, single submitter. Criteria: CIMBA Mutation Classification guidelines May 2016. Collection method: clinical testing. Allele origin: germline. Not counted in ClinVar's aggregate classification.

Juno Genomics, Hangzhou Juno Genomics, Inc
Classification: Pathogenic for Breast-ovarian cancer, familial, susceptibility to, 1. Review status: criteria provided, single submitter. Criteria: ACMG Guidelines, 2015. Collection method: clinical testing. Allele origin: germline. Not counted in ClinVar's aggregate classification.
Comment: Absent from controls (or at extremely low frequency if recessive) in Genome Aggregation Database.;Null variant in a gene where loss of function (LOF) is a known mechanism of disease.;Novel missense change at an amino acid residue where a different missense change determined to be pathogenic has been seen before.;The prevalence of the variant in affected individuals is significantly increased compared to the prevalence in controls.

Research Molecular Genetics Laboratory, Women's College Hospital, University of Toronto
Classification: Pathogenic for Hereditary breast ovarian cancer syndrome. Last evaluated: 2014-01-31. Review status: no assertion criteria provided. Collection method: research. Allele origin: germline. Affected: yes. Study: The Canadian Open Genetics Repository (COGR). Not counted in ClinVar's aggregate classification.

Breast Cancer Information Core (BIC) (BRCA1)
Classification: Pathogenic for Breast-ovarian cancer, familial 1. Last evaluated: 2003-12-23. Review status: no assertion criteria provided. Collection method: clinical testing. Allele origin: germline. Affected: yes. Observed: 2 variant alleles. Not counted in ClinVar's aggregate classification.

Literature cited by the submitters: PubMed 20104584 (cited by Labcorp Genetics (formerly Invitae), Labcorp); PubMed 10498392 (cited by Color Diagnostics, LLC DBA Color Health); PubMed 19499246 (cited by Color Diagnostics, LLC DBA Color Health and Ambry Genetics); PubMed 22798144 (cited by Color Diagnostics, LLC DBA Color Health and Ambry Genetics); PubMed 29020732 (cited by Color Diagnostics, LLC DBA Color Health and Ambry Genetics); PubMed 29673794 (cited by Color Diagnostics, LLC DBA Color Health); PubMed 30207098 (cited by Color Diagnostics, LLC DBA Color Health); PubMed 33471991 (cited by Color Diagnostics, LLC DBA Color Health); PubMed 33850850 (cited by Color Diagnostics, LLC DBA Color Health); PubMed 10408690 (cited by Ambry Genetics); PubMed 19656164 (cited by Ambry Genetics); PubMed 25863477 (cited by Ambry Genetics); PubMed 26852015 (cited by Ambry Genetics); PubMed 30078507 (cited by Ambry Genetics); PubMed 30441849 (cited by Ambry Genetics).